The following is an entry in ClinVar:

ClinVar aggregate classification (germline): Uncertain significance (1 of 4 stars; one submission).

Conditions:
Pontocerebellar hypoplasia type 1B. Also called: EXOSC3 Pontocerebellar Hypoplasia. Identifiers: Orphanet 2254, MedGen C3553449, MONDO:0013853, OMIM 614678.

Submission:

Labcorp Genetics (formerly Invitae), Labcorp
Classification: Uncertain significance for Pontocerebellar hypoplasia type 1B. Last evaluated: 2022-01-05. Review status: criteria provided, single submitter. Criteria: Invitae Variant Classification Sherloc (09022015). Collection method: clinical testing. Allele origin: germline.
Comment: In summary, the available evidence is currently insufficient to determine the role of this variant in disease. Therefore, it has been classified as a Variant of Uncertain Significance. Algorithms developed to predict the effect of missense changes on protein structure and function (SIFT, PolyPhen-2, Align-GVGD) all suggest that this variant is likely to be tolerated. This variant has not been reported in the literature in individuals affected with EXOSC3-related conditions. This variant is not present in population databases (gnomAD no frequency). This sequence change replaces histidine, which is basic and polar, with arginine, which is basic and polar, at codon 116 of the EXOSC3 protein (p.His116Arg).

NM_016042.4(EXOSC3):c.347A>G (p.His116Arg)

Gene: EXOSC3 (exosome component 3; minus strand). Cytogenetic location: 9p13.2.
Variant type: single nucleotide variant.
Coding change: c.347A>G on transcript NM_016042.4 (MANE Select); coding-DNA position 347, A replaced by G.
Protein change: p.His116Arg; replaces histidine 116 with arginine.
Molecular consequence: missense variant.
Genome position (GRCh38, 1-based): chr9:37,784,041, T>C on the plus strand (A>G on the coding strand, the complement: EXOSC3 is on the minus strand). VCF-style: chr9-37784041-T-C. GRCh37 (hg19) VCF-style: chr9-37784038-T-C.
Other names: c.347A>G, p.His116Arg (NM_001002269.2); short protein forms H116R.
Identifiers: ClinVar variation 1905344 (VCV001905344.5), dbSNP rs999232158, ClinGen allele CA192953466.